The following is an entry in ClinVar:

ClinVar aggregate classification (germline): Uncertain significance. Review status: criteria provided, multiple submitters, no conflicts (2 of 4 stars). 3 submissions from 3 submitters: Uncertain significance (3). Last evaluated 2025-09-09.

Conditions:
Inborn genetic diseases. Identifiers: MedGen C0950123, MeSH D030342.
Hermansky-Pudlak syndrome 2 (HPS2). Also called: Platelet defects and oculocutaneous albinism. Identifiers: Orphanet 183678, Orphanet 79430, MedGen C1842362, MONDO:0011997, OMIM 608233.

Allele frequency attached by ClinVar (database versions not stated): gnomAD 0.00001; gnomAD exomes 0.00006 and 0.00012; TOPMed 0.00006; ExAC 0.00012.
gnomAD v4.1: 40 of 1,613,774 alleles (0.0025%); highest among the groups gnomAD compares: Admixed American, 0.062%; no homozygotes.

Submissions (3):

Labcorp Genetics (formerly Invitae), Labcorp
Classification: Uncertain significance for Hermansky-Pudlak syndrome 2. Last evaluated: 2025-09-09. Review status: criteria provided, single submitter. Criteria: Invitae Variant Classification Sherloc (09022015). Collection method: clinical testing. Allele origin: germline.
Comment: This sequence change replaces lysine, which is basic and polar, with arginine, which is basic and polar, at codon 673 of the AP3B1 protein (p.Lys673Arg). This variant is present in population databases (rs763619135, gnomAD 0.08%). This variant has not been reported in the literature in individuals affected with AP3B1-related conditions. ClinVar contains an entry for this variant (Variation ID: 570217). An algorithm developed to predict the effect of missense changes on protein structure and function (PolyPhen-2) suggests that this variant is likely to be tolerated. In summary, the available evidence is currently insufficient to determine the role of this variant in disease. Therefore, it has been classified as a Variant of Uncertain Significance.

Ambry Genetics
Classification: Uncertain significance for Inborn genetic diseases. Last evaluated: 2024-03-30. Review status: criteria provided, single submitter. Criteria: Ambry Variant Classification Scheme 2023. Collection method: clinical testing. Allele origin: germline.

Mayo Clinic Laboratories, Mayo Clinic
Classification: Uncertain significance. Last evaluated: 2023-10-03. Review status: criteria provided, single submitter. Criteria: ACMG Guidelines, 2015. Collection method: clinical testing. Allele origin: germline. Observed: 1 variant allele.

NM_003664.5(AP3B1):c.2018A>G (p.Lys673Arg)

Gene: AP3B1 (adaptor related protein complex 3 subunit beta 1; minus strand). Cytogenetic location: 5q14.1.
Variant type: single nucleotide variant.
Coding change: c.2018A>G on transcript NM_003664.5 (MANE Select); coding-DNA position 2018, A replaced by G.
Protein change: p.Lys673Arg; replaces lysine 673 with arginine.
Molecular consequence: missense variant.
Genome position (GRCh38, 1-based): chr5:78,116,185, T>C on the plus strand (A>G on the coding strand, the complement: AP3B1 is on the minus strand). VCF-style: chr5-78116185-T-C. GRCh37 (hg19) VCF-style: chr5-77412009-T-C.
Other names: p.Lys673Arg; c.1871A>G, p.Lys624Arg (NM_001271769.2); c.2018A>G (NM_003664.3); short protein forms K673R, K624R.
Identifiers: ClinVar variation 570217 (VCV000570217.9), dbSNP rs763619135, ClinGen allele CA3316892.